The following is an entry in ClinVar:

ClinVar aggregate classification (germline): Conflicting classifications of pathogenicity. Review status: criteria provided, conflicting classifications (1 of 4 stars). 3 submissions from 3 submitters: Pathogenic (1); Likely pathogenic (1); Uncertain significance (1). Last evaluated 2024-01-22.

Conditions:
PRPF8-related disorder. Also called: PRPF8-related condition.
Retinal dystrophy. Also called: Inherited retinal dystrophy. Identifiers: Orphanet 71862, MedGen C0854723, MeSH D058499, MONDO:0019118, HP:0000556.

Submissions (3):

Labcorp Genetics (formerly Invitae), Labcorp
Classification: Pathogenic. Last evaluated: 2024-01-22. Review status: criteria provided, single submitter. Criteria: Invitae Variant Classification Sherloc (09022015). Collection method: clinical testing. Allele origin: germline.
Comment: This sequence change replaces phenylalanine, which is neutral and non-polar, with valine, which is neutral and non-polar, at codon 2304 of the PRPF8 protein (p.Phe2304Val). This variant is not present in population databases (gnomAD no frequency). This missense change has been observed in individuals with autosomal dominant retinitis pigmentosa (PMID: 33576794; Invitae). ClinVar contains an entry for this variant (Variation ID: 866145). Advanced modeling of protein sequence and biophysical properties (such as structural, functional, and spatial information, amino acid conservation, physicochemical variation, residue mobility, and thermodynamic stability) performed at Invitae indicates that this missense variant is expected to disrupt PRPF8 protein function with a positive predictive value of 80%. This variant disrupts the p.Phe2304 amino acid residue in PRPF8. Other variant(s) that disrupt this residue have been determined to be pathogenic (PMID: 11468273, 16799052, 24938718, 28076437). This suggests that this residue is clinically significant, and that variants that disrupt this residue are likely to be disease-causing. For these reasons, this variant has been classified as Pathogenic.

Dept Of Ophthalmology, Nagoya University
Classification: Uncertain significance for Retinal dystrophy. Last evaluated: 2023-10-01. Review status: criteria provided, single submitter. Criteria: Submitter's publication. Collection method: research. Allele origin: germline. Affected: yes.

Blueprint Genetics
Classification: Likely pathogenic for PRPF8-related disorders. Last evaluated: 2022-11-01. Review status: criteria provided, single submitter. Criteria: ACMG Guidelines, 2015. Collection method: clinical testing. Allele origin: germline. Affected: yes. Observed: 2 variant alleles.

Literature cited by the submitters: PubMed 33576794 (cited by Labcorp Genetics (formerly Invitae), Labcorp); PubMed 11468273 (cited by Labcorp Genetics (formerly Invitae), Labcorp); PubMed 16799052 (cited by Labcorp Genetics (formerly Invitae), Labcorp); PubMed 24938718 (cited by Labcorp Genetics (formerly Invitae), Labcorp); PubMed 28076437 (cited by Labcorp Genetics (formerly Invitae), Labcorp).

NM_006445.4(PRPF8):c.6910T>G (p.Phe2304Val)

Gene: PRPF8 (pre-mRNA processing factor 8; minus strand). Cytogenetic location: 17p13.3.
Variant type: single nucleotide variant.
Coding change: c.6910T>G on transcript NM_006445.4 (MANE Select); coding-DNA position 6910, T replaced by G.
Protein change: p.Phe2304Val; replaces phenylalanine 2304 with valine.
Molecular consequence: missense variant.
Genome position (GRCh38, 1-based): chr17:1,650,900, A>C on the plus strand (T>G on the coding strand, the complement: PRPF8 is on the minus strand). VCF-style: chr17-1650900-A-C. GRCh37 (hg19) VCF-style: chr17-1554194-A-C.
Other names: short protein forms F2304V.
Identifiers: ClinVar variation 866145 (VCV000866145.9), dbSNP rs1911004419, ClinGen allele CA397562174.